The following is an entry in ClinVar:

NM_001111.5(ADAR):c.16-1G>A

Gene: ADAR (adenosine deaminase RNA specific; minus strand). Cytogenetic location: 1q21.3.
Variant type: single nucleotide variant.
Coding change: c.16-1G>A on transcript NM_001111.5 (MANE Select); the canonical splice acceptor site of the intron before coding-DNA position 16, G replaced by A.
Molecular consequence: splice acceptor variant.
Genome position (GRCh38, 1-based): chr1:154,602,627, C>T on the plus strand (G>A on the coding strand, the complement: ADAR is on the minus strand). VCF-style: chr1-154602627-C-T. GRCh37 (hg19) VCF-style: chr1-154575103-C-T.
Other names: c.-734-1G>A (NM_001365046.1, NM_001365049.1, NM_001365047.1); c.43-1G>A (NM_001365045.1); c.-870-1G>A (NM_001025107.3, NM_001365048.1, NM_001193495.2); c.16-1G>A (NM_015841.4, NM_015840.4).
Identifiers: ClinVar variation 5018677 (VCV005018677.2).

ClinVar aggregate classification (germline): Likely pathogenic (1 of 4 stars; one submission).

Conditions:
Aicardi-Goutieres syndrome 6 (AGS6). Identifiers: Orphanet 51, MedGen C3539013, MONDO:0014007, OMIM 615010.
Symmetrical dyschromatosis of extremities (DSH). Also called: RETICULATE ACROPIGMENTATION OF DOHI; SYMMETRIC DYSCHROMATOSIS OF THE EXTREMITIES; DYSCHROMATOSIS SYMMETRICA HEREDITARIA 1; Dyschromatosis symmetrica hereditaria. Identifiers: Orphanet 41, MedGen C0406775, MONDO:0007483, OMIM 127400.

Submission:

Juno Genomics, Hangzhou Juno Genomics, Inc
Classification: Likely pathogenic for Aicardi-Goutieres syndrome 6; Symmetrical dyschromatosis of extremities. Review status: criteria provided, single submitter. Criteria: ACMG Guidelines, 2015. Collection method: clinical testing. Allele origin: germline.
Comment: Absent from controls (or at extremely low frequency if recessive) in Genome Aggregation Database.;Null variant in a gene where loss of function (LOF) is a known mechanism of disease.